The following is an entry in ClinVar:

NM_005902.4(SMAD3):c.302A>G (p.His101Arg)

Gene: SMAD3 (SMAD family member 3; plus strand). Cytogenetic location: 15q22.33.
Variant type: single nucleotide variant.
Coding change: c.302A>G on transcript NM_005902.4 (MANE Select); coding-DNA position 302, A replaced by G.
Protein change: p.His101Arg; replaces histidine 101 with arginine.
Molecular consequence: missense variant. On other transcripts: 5 prime UTR variant (3).
Genome position (GRCh38, 1-based): chr15:67,164,990, A>G. VCF-style: chr15-67164990-A-G. GRCh37 (hg19) VCF-style: chr15-67457328-A-G.
Other names: c.-14A>G (NM_001145102.2, NM_001407015.1, NM_001407016.1); c.170A>G, p.His57Arg (NM_001145103.2); c.302A>G, p.His101Arg (NM_001407011.1, NM_001407012.1, NM_001407013.1); c.155A>G, p.His52Arg (NM_001407014.1); short protein forms H101R, H52R, H57R.
Identifiers: ClinVar variation 3958348 (VCV003958348.1).

ClinVar aggregate classification (germline): Uncertain significance (1 of 4 stars; one submission).

Conditions:
Familial thoracic aortic aneurysm and aortic dissection (TAAD). Also called: Thoracic aortic aneurysms and dissections. Identifiers: Orphanet 91387, MedGen C4707243, MONDO:0019625.

Submission:

Ambry Genetics
Classification: Uncertain significance for Familial thoracic aortic aneurysm and aortic dissection. Last evaluated: 2025-05-15. Review status: criteria provided, single submitter. Criteria: Ambry Variant Classification Scheme 2023. Collection method: clinical testing. Allele origin: germline.
Comment: The p.H101R variant (also known as c.302A>G), located in coding exon 2 of the SMAD3 gene, results from an A to G substitution at nucleotide position 302. The histidine at codon 101 is replaced by arginine, an amino acid with highly similar properties. This amino acid position is conserved. In addition, this alteration is predicted to be deleterious by in silico analysis. Based on the available evidence, the clinical significance of this variant remains unclear.